The following is an entry in ClinVar:

NM_000093.5(COL5A1):c.2646+12C>T

Gene: COL5A1 (collagen type V alpha 1 chain; plus strand). Cytogenetic location: 9q34.3.
Variant type: single nucleotide variant.
Coding change: c.2646+12C>T on transcript NM_000093.5 (MANE Select); 12 bases into the intron after coding-DNA position 2646, C replaced by T.
Molecular consequence: intron variant.
Genome position (GRCh38, 1-based): chr9:134,786,060, C>T. VCF-style: chr9-134786060-C-T. GRCh37 (hg19) VCF-style: chr9-137677906-C-T.
Other names: c.2646+12C>T (NM_001278074.1).
Identifiers: ClinVar variation 439533 (VCV000439533.17), dbSNP rs751662116, ClinGen allele CA5319484.

ClinVar aggregate classification (germline): Likely benign. Review status: criteria provided, multiple submitters, no conflicts (2 of 4 stars). 4 submissions from 4 submitters: Likely benign (4). Last evaluated 2025-11-25.

Conditions:
Ehlers-Danlos syndrome, classic type, 1 (EDSCL1). Also called: EHLERS-DANLOS SYNDROME, GRAVIS TYPE; EHLERS-DANLOS SYNDROME, SEVERE CLASSIC TYPE; EDS I; Ehlers-Danlos Syndrome, Classic Type, COL5A1-Related; Ehlers-Danlos syndrome, type 1. Identifiers: MedGen C0268335, MONDO:0019567, OMIM 130000.

Allele frequency attached by ClinVar (database versions not stated): gnomAD 0.00001; gnomAD exomes 0.00001 and 0.00003; TOPMed 0.00001; ExAC 0.00004.

Submissions (4):

Labcorp Genetics (formerly Invitae), Labcorp
Classification: Likely benign for Ehlers-Danlos syndrome, classic type, 1. Last evaluated: 2025-11-25. Review status: criteria provided, single submitter. Criteria: Invitae Variant Classification Sherloc (09022015). Collection method: clinical testing. Allele origin: germline.

Women's Health and Genetics/Laboratory Corporation of America, LabCorp
Classification: Likely benign. Last evaluated: 2025-06-26. Review status: criteria provided, single submitter. Criteria: LabCorp Variant Classification Summary - May 2015. Collection method: clinical testing. Allele origin: germline.

GeneDx
Classification: Likely benign. Last evaluated: 2017-07-18. Review status: criteria provided, single submitter. Criteria: GeneDx Variant Classification (06012015). Collection method: clinical testing. Allele origin: germline. Affected: yes.
Comment: This variant is considered likely benign or benign based on one or more of the following criteria: it is a conservative change, it occurs at a poorly conserved position in the protein, it is predicted to be benign by multiple in silico algorithms, and/or has population frequency not consistent with disease.

ARUP Laboratories, Molecular Genetics and Genomics, ARUP Laboratories
Classification: Likely benign. Last evaluated: 2017-02-07. Review status: criteria provided, single submitter. Criteria: ARUP Molecular Germline Variant Investigation Process. Collection method: clinical testing. Allele origin: germline.